The following is an entry in ClinVar:

NM_000901.5(NR3C2):c.1952G>A (p.Arg651Gln)

Gene: NR3C2 (nuclear receptor subfamily 3 group C member 2; minus strand). Cytogenetic location: 4q31.23.
Variant type: single nucleotide variant.
Coding change: c.1952G>A on transcript NM_000901.5 (MANE Select); coding-DNA position 1952, G replaced by A.
Protein change: p.Arg651Gln; replaces arginine 651 with glutamine.
Molecular consequence: missense variant. On other transcripts: non-coding transcript variant (1).
Genome position (GRCh38, 1-based): chr4:148,194,808, C>T on the plus strand (G>A on the coding strand, the complement: NR3C2 is on the minus strand). VCF-style: chr4-148194808-C-T. GRCh37 (hg19) VCF-style: chr4-149115959-C-T.
Other names: c.1952G>A, p.Arg651Gln (NM_001166104.2, NM_001354819.1); short protein forms R651Q.
Identifiers: ClinVar variation 1307417 (VCV001307417.2), dbSNP rs2149802718, ClinGen allele CA358428660.

ClinVar aggregate classification (germline): Uncertain significance (1 of 4 stars; one submission).

gnomAD v4.1: 2 of 1,612,572 alleles (0.00012%); highest among the groups gnomAD compares: East Asian, 0.0022%; no homozygotes.

Submission:

GeneDx
Classification: Uncertain significance. Last evaluated: 2019-07-30. Review status: criteria provided, single submitter. Criteria: GeneDx Variant Classification Process June 2021. Collection method: clinical testing. Allele origin: germline. Affected: yes.
Comment: Not observed in large population cohorts (Lek et al., 2016); In silico analysis, which includes protein predictors and evolutionary conservation, supports a deleterious effect; Has not been previously published as pathogenic or benign to our knowledge